The following is an entry in ClinVar:

NM_001851.6(COL9A1):c.1234C>T (p.Pro412Ser)

Gene: COL9A1 (collagen type IX alpha 1 chain; minus strand). Cytogenetic location: 6q13.
Variant type: single nucleotide variant.
Coding change: c.1234C>T on transcript NM_001851.6 (MANE Select); coding-DNA position 1234, C replaced by T.
Protein change: p.Pro412Ser; replaces proline 412 with serine.
Molecular consequence: missense variant. On other transcripts: non-coding transcript variant (1).
Genome position (GRCh38, 1-based): chr6:70,268,857, G>A on the plus strand (C>T on the coding strand, the complement: COL9A1 is on the minus strand). VCF-style: chr6-70268857-G-A. GRCh37 (hg19) VCF-style: chr6-70978560-G-A.
Other names: c.505C>T, p.Pro169Ser (NM_001377289.1, NM_001377290.1, NM_078485.4); short protein forms P412S, P169S.
Identifiers: ClinVar variation 1524805 (VCV001524805.6), dbSNP rs2127588500, ClinGen allele CA364680909.
Genomic context (GRCh38, chr6:70,268,857, plus strand): 5'-CTCTTACCCTCATGCCTGGTAGGCCTGGATATCCTGAGCGACCTGGTGGACAGGCATTGG[G>A]ACACTGCCAGGGAGAGAGGGAACAAAGAGAAAGAAAGACAGACAGAGTGCATAAACTAGG-3'
Protein context (NP_001842.3, residues 402-422): IGFHDGDPLC[Pro412Ser]NACPPGRSGY

ClinVar aggregate classification (germline): Uncertain significance (1 of 4 stars; one submission).

Submission:

Labcorp Genetics (formerly Invitae), Labcorp
Classification: Uncertain significance. Last evaluated: 2023-05-08. Review status: criteria provided, single submitter. Criteria: Invitae Variant Classification Sherloc (09022015). Collection method: clinical testing. Allele origin: germline.
Comment: This sequence change replaces proline, which is neutral and non-polar, with serine, which is neutral and polar, at codon 412 of the COL9A1 protein (p.Pro412Ser). This variant is not present in population databases (gnomAD no frequency). This variant has not been reported in the literature in individuals affected with COL9A1-related conditions. ClinVar contains an entry for this variant (Variation ID: 1524805). Advanced modeling of protein sequence and biophysical properties (such as structural, functional, and spatial information, amino acid conservation, physicochemical variation, residue mobility, and thermodynamic stability) performed at Invitae indicates that this missense variant is not expected to disrupt COL9A1 protein function. In summary, the available evidence is currently insufficient to determine the role of this variant in disease. Therefore, it has been classified as a Variant of Uncertain Significance.